The following is an entry in ClinVar:

ClinVar aggregate classification (germline): Likely benign. Review status: criteria provided, multiple submitters, no conflicts (2 of 4 stars). 3 submissions from 3 submitters: Likely benign (2). 1 of the submissions does not count toward it. Last evaluated 2025-12-16.

Conditions:
COG7 congenital disorder of glycosylation (CDG2E). Also called: CONGENITAL DISORDER OF GLYCOSYLATION, TYPE IIe; CDG IIe. Identifiers: Orphanet 79333, MedGen C2931010, MONDO:0012118, OMIM 608779.
COG7-related disorder. Also called: COG7-related condition.

Allele frequency attached by ClinVar (database versions not stated): gnomAD exomes 0.00002 and 0.00006; ExAC 0.00007; gnomAD 0.00027; TOPMed 0.00036; 1000 Genomes Project 30x 0.00047; 1000 Genomes Project 0.00060.

Submissions (3):

Labcorp Genetics (formerly Invitae), Labcorp
Classification: Likely benign for COG7 congenital disorder of glycosylation. Last evaluated: 2025-12-16. Review status: criteria provided, single submitter. Criteria: Invitae Variant Classification Sherloc (09022015). Collection method: clinical testing. Allele origin: germline.

Blueprint Genetics
Classification: Likely benign. Last evaluated: 2023-09-14. Review status: criteria provided, single submitter. Criteria: ACMG Guidelines, 2015. Collection method: clinical testing. Allele origin: germline.

PreventionGenetics, part of Exact Sciences
Classification: Likely benign for COG7-related condition. Last evaluated: 2019-08-16. Review status: no assertion criteria provided. Collection method: clinical testing. Allele origin: germline. Not counted in ClinVar's aggregate classification.
Comment: This variant is classified as likely benign based on ACMG/AMP sequence variant interpretation guidelines (Richards et al. 2015 PMID: 25741868, with internal and published modifications).

NM_153603.4(COG7):c.360T>G (p.Leu120=)

Gene: COG7 (component of oligomeric golgi complex 7; minus strand). Cytogenetic location: 16p12.2.
Variant type: single nucleotide variant.
Coding change: c.360T>G on transcript NM_153603.4 (MANE Select); coding-DNA position 360, T replaced by G.
Protein change: p.Leu120=; no amino-acid change (leucine 120 retained).
Molecular consequence: synonymous variant.
Genome position (GRCh38, 1-based): chr16:23,445,123, A>C on the plus strand (T>G on the coding strand, the complement: COG7 is on the minus strand). VCF-style: chr16-23445123-A-C. GRCh37 (hg19) VCF-style: chr16-23456444-A-C.
Identifiers: ClinVar variation 731991 (VCV000731991.10), dbSNP rs563111337, ClinGen allele CA7961328.